The following is an entry in ClinVar:

ClinVar aggregate classification (germline): Uncertain significance. Review status: criteria provided, multiple submitters, no conflicts (2 of 4 stars). 3 submissions from 3 submitters: Uncertain significance (3). Last evaluated 2025-02-04.

Conditions:
Adams-Oliver syndrome 5 (AOS5). Identifiers: Orphanet 974, MedGen C4014970, MONDO:0014459, OMIM 616028.
Familial thoracic aortic aneurysm and aortic dissection (TAAD). Also called: Thoracic aortic aneurysms and dissections. Identifiers: Orphanet 91387, MedGen C4707243, MONDO:0019625.

Submissions (3):

GeneDx
Classification: Uncertain significance. Last evaluated: 2025-02-04. Review status: criteria provided, single submitter. Criteria: GeneDx Variant Classification Process June 2021. Collection method: clinical testing. Allele origin: germline. Affected: yes.
Comment: Not observed at significant frequency in large population cohorts (gnomAD); In silico analysis supports that this missense variant has a deleterious effect on protein structure/function; Has not been previously published as pathogenic or benign to our knowledge

Labcorp Genetics (formerly Invitae), Labcorp
Classification: Uncertain significance for Adams-Oliver syndrome 5. Last evaluated: 2024-10-18. Review status: criteria provided, single submitter. Criteria: Invitae Variant Classification Sherloc (09022015). Collection method: clinical testing. Allele origin: germline.
Comment: This sequence change replaces proline, which is neutral and non-polar, with leucine, which is neutral and non-polar, at codon 1048 of the NOTCH1 protein (p.Pro1048Leu). This variant is not present in population databases (gnomAD no frequency). This variant has not been reported in the literature in individuals affected with NOTCH1-related conditions. Invitae Evidence Modeling of protein sequence and biophysical properties (such as structural, functional, and spatial information, amino acid conservation, physicochemical variation, residue mobility, and thermodynamic stability) indicates that this missense variant is not expected to disrupt NOTCH1 protein function with a negative predictive value of 95%. In summary, the available evidence is currently insufficient to determine the role of this variant in disease. Therefore, it has been classified as a Variant of Uncertain Significance.

Ambry Genetics
Classification: Uncertain significance for Familial thoracic aortic aneurysm and aortic dissection. Last evaluated: 2024-07-31. Review status: criteria provided, single submitter. Criteria: Ambry Variant Classification Scheme 2023. Collection method: clinical testing. Allele origin: germline.
Comment: The p.P1048L variant (also known as c.3143C>T), located in coding exon 19 of the NOTCH1 gene, results from a C to T substitution at nucleotide position 3143. The proline at codon 1048 is replaced by leucine, an amino acid with similar properties. This amino acid position is conserved. In addition, this alteration is predicted to be deleterious by in silico analysis. Based on the available evidence, the clinical significance of this variant remains unclear.

NM_017617.5(NOTCH1):c.3143C>T (p.Pro1048Leu)

Gene: NOTCH1 (notch receptor 1; minus strand). Cytogenetic location: 9q34.3.
Variant type: single nucleotide variant.
Coding change: c.3143C>T on transcript NM_017617.5 (MANE Select); coding-DNA position 3143, C replaced by T.
Protein change: p.Pro1048Leu; replaces proline 1048 with leucine.
Molecular consequence: missense variant.
Genome position (GRCh38, 1-based): chr9:136,508,898, G>A on the plus strand (C>T on the coding strand, the complement: NOTCH1 is on the minus strand). VCF-style: chr9-136508898-G-A. GRCh37 (hg19) VCF-style: chr9-139403350-G-A.
Other names: short protein forms P1048L.
Identifiers: ClinVar variation 3406829 (VCV003406829.4).